The following is an entry in ClinVar:

NM_000445.5(PLEC):c.181A>G (p.Ile61Val)

Gene: PLEC (plectin; minus strand). Cytogenetic location: 8q24.3.
Variant type: single nucleotide variant.
Coding change: c.181A>G on transcript NM_000445.5; coding-DNA position 181, A replaced by G.
Protein change: p.Ile61Val; replaces isoleucine 61 with valine.
Molecular consequence: missense variant.
Genome position (GRCh38, 1-based): chr8:143,975,189, T>C on the plus strand (A>G on the coding strand, the complement: PLEC is on the minus strand). VCF-style: chr8-143975189-T-C. GRCh37 (hg19) VCF-style: chr8-145049357-T-C.
Other names: c.181A>G, p.Ile61Val (NM_001410941.1); short protein forms I61V.
Identifiers: ClinVar variation 3754127 (VCV003754127.2).

ClinVar aggregate classification (germline): Uncertain significance (1 of 4 stars; one submission).

Conditions:
Epidermolysis bullosa simplex with nail dystrophy (EBS5D). Identifiers: MedGen C4225309, MONDO:0014661, OMIM 616487.
Epidermolysis bullosa simplex, Ogna type (EBS5A). Also called: Pidermolysis bullosa simplex 5A, Ogna type; EPIDERMOLYSIS BULLOSA SIMPLEX 5A, OGNA TYPE. Identifiers: Orphanet 79401, MedGen C0432317, MONDO:0007555, OMIM 131950.
Autosomal recessive limb-girdle muscular dystrophy type 2Q (LGMDR17). Also called: MUSCULAR DYSTROPHY, LIMB-GIRDLE, AUTOSOMAL RECESSIVE 17. Identifiers: Orphanet 254361, MedGen C3150989, MONDO:0013390, OMIM 613723.
Epidermolysis bullosa simplex 5B, with muscular dystrophy (EBS5B). Also called: Epidermolysis bullosa simplex with muscular dystrophy; EPIDERMOLYSIS BULLOSA SIMPLEX AND LIMB-GIRDLE MUSCULAR DYSTROPHY. Identifiers: Orphanet 257, MedGen C2931072, MONDO:0009181, OMIM 226670.
Epidermolysis bullosa simplex 5C, with pyloric atresia (EBS5C). Also called: PLEC-Related Epidermolysis Bullosa with Pyloric Atresia; Epidermolysis bullosa simplex with pyloric atresia; PLEC1-Related Epidermolysis Bullosa with Pyloric Atresia. Identifiers: Orphanet 158684, MedGen C2677349, MONDO:0012807, OMIM 612138.

gnomAD v4.1: 19 of 1,600,032 alleles (0.0012%); highest among the groups gnomAD compares: Non-Finnish European, 0.0015%; no homozygotes.

Submission:

Labcorp Genetics (formerly Invitae), Labcorp
Classification: Uncertain significance for Autosomal recessive limb-girdle muscular dystrophy type 2Q; Epidermolysis bullosa simplex, Ogna type; Epidermolysis bullosa simplex with nail dystrophy; Epidermolysis bullosa simplex 5C, with pyloric atresia; Epidermolysis bullosa simplex 5B, with muscular dystrophy. Last evaluated: 2024-11-13. Review status: criteria provided, single submitter. Criteria: Invitae Variant Classification Sherloc (09022015). Collection method: clinical testing. Allele origin: germline.
Comment: This sequence change replaces isoleucine, which is neutral and non-polar, with valine, which is neutral and non-polar, at codon 61 of the PLEC protein (p.Ile61Val). This variant is present in population databases (rs781840326, gnomAD 0.005%). This variant has not been reported in the literature in individuals affected with PLEC-related conditions. Experimental studies and prediction algorithms are not available or were not evaluated, and the functional significance of this variant is currently unknown. In summary, the available evidence is currently insufficient to determine the role of this variant in disease. Therefore, it has been classified as a Variant of Uncertain Significance.